The following is an entry in ClinVar:

NM_000264.5(PTCH1):c.51C>T (p.Gly17=)

Genes: PTCH1 (patched 1; minus strand), LOC130002133 (ATAC-STARR-seq lymphoblastoid silent region 20071; plus strand). Cytogenetic location: 9q22.32.
Variant type: single nucleotide variant.
Coding change: c.51C>T on transcript NM_000264.5 (MANE Select); coding-DNA position 51, C replaced by T.
Protein change: p.Gly17=; no amino-acid change (glycine 17 retained).
Molecular consequence: synonymous variant. On other transcripts: non-coding transcript variant (1), intron variant (3).
Genome position (GRCh38, 1-based): chr9:95,508,311, G>A on the plus strand (C>T on the coding strand, the complement: PTCH1 is on the minus strand). VCF-style: chr9-95508311-G-A. GRCh37 (hg19) VCF-style: chr9-98270593-G-A.
Other names: c.51C>T, p.Gly17= (NM_001354918.2); c.199-1712C>T (NM_001083603.3); c.4-1712C>T (NM_001083602.3, NM_001354919.2).
Identifiers: ClinVar variation 2691437 (VCV002691437.2), dbSNP rs2118909819, ClinGen allele CA466107927.

ClinVar aggregate classification (germline): Likely benign. Review status: criteria provided, multiple submitters, no conflicts (2 of 4 stars). 2 submissions from 2 submitters: Likely benign (2). Last evaluated 2026-04-12.

Conditions:
Hereditary cancer-predisposing syndrome. Also called: Tumor predisposition; Hereditary neoplastic syndrome; Neoplastic Syndromes, Hereditary; Hereditary Cancer Syndrome. Identifiers: Orphanet 140162, MedGen C0027672, MeSH D009386, MONDO:0015356.

Submissions (2):

Ambry Genetics
Classification: Likely benign for Hereditary cancer-predisposing syndrome. Last evaluated: 2026-04-12. Review status: criteria provided, single submitter. Criteria: Ambry Variant Classification Scheme 2023. Collection method: clinical testing. Allele origin: germline.

Women's Health and Genetics/Laboratory Corporation of America, LabCorp
Classification: Likely benign. Last evaluated: 2023-12-01. Review status: criteria provided, single submitter. Criteria: LabCorp Variant Classification Summary - May 2015. Collection method: clinical testing. Allele origin: germline.
Comment: Variant summary: PTCH1 c.51C>T alters a conserved nucleotide resulting in a synonymous change. Consensus agreement among computation tools predict no significant impact on normal splicing. However, these predictions have yet to be confirmed by functional studies. The variant was absent in 21730 control chromosomes (gnomAD). The available data on variant occurrences in the general population are insufficient to allow any conclusion about variant significance. To our knowledge, no occurrence of c.51C>T in individuals affected with Nevoid Basal Cell Carcinoma Syndrome (Gorlin Syndrome) and no experimental evidence demonstrating its impact on protein function have been reported. No submitters have cited clinical-significance assessments for this variant to ClinVar after 2014. Based on the evidence outlined above, the variant was classified as likely benign.